The following is an entry in ClinVar:

NM_000051.4(ATM):c.1082C>G (p.Thr361Ser)

Gene: ATM (ATM serine/threonine kinase; plus strand). Cytogenetic location: 11q22.3.
Variant type: single nucleotide variant.
Coding change: c.1082C>G on transcript NM_000051.4 (MANE Select); coding-DNA position 1082, C replaced by G.
Protein change: p.Thr361Ser; replaces threonine 361 with serine.
Molecular consequence: missense variant.
Genome position (GRCh38, 1-based): chr11:108,248,949, C>G. VCF-style: chr11-108248949-C-G. GRCh37 (hg19) VCF-style: chr11-108119676-C-G.
Other names: c.1082C>G, p.Thr361Ser (NM_001351834.2); short protein forms T361S.
Identifiers: ClinVar variation 660840 (VCV000660840.8), dbSNP rs1565378803, ClinGen allele CA382532348.

ClinVar aggregate classification (germline): Uncertain significance (1 of 4 stars; one submission).

Conditions:
Ataxia-telangiectasia syndrome (AT). Also called: Ataxia-telangiectasia, complementation group D; AT, COMPLEMENTATION GROUP C; Ataxia telangiectasia (A-T); Cerebello-oculocutaneous telangiectasia; Immunodeficiency with ataxia telangiectasia; ATAXIA-TELANGIECTASIA, COMPLEMENTATION GROUP A. Identifiers: Orphanet 100, MedGen C0004135, MONDO:0008840, OMIM 208900.

gnomAD v4.1: 2 of 1,609,106 alleles (0.00012%); highest among the groups gnomAD compares: Non-Finnish European, 0.00017%; no homozygotes.

Submission:

Labcorp Genetics (formerly Invitae), Labcorp
Classification: Uncertain significance for Ataxia-telangiectasia syndrome. Last evaluated: 2018-10-29. Review status: criteria provided, single submitter. Criteria: Invitae Variant Classification Sherloc (09022015). Collection method: clinical testing. Allele origin: germline.
Comment: In summary, the available evidence is currently insufficient to determine the role of this variant in disease. Therefore, it has been classified as a Variant of Uncertain Significance. Algorithms developed to predict the effect of missense changes on protein structure and function output the following: SIFT: "Tolerated"; PolyPhen-2: "Benign"; Align-GVGD: "Class C0". The serine amino acid residue is found in multiple mammalian species, suggesting that this missense change does not adversely affect protein function. These predictions have not been confirmed by published functional studies and their clinical significance is uncertain. This variant has not been reported in the literature in individuals with ATM-related disease. This variant is not present in population databases (ExAC no frequency). This sequence change replaces threonine with serine at codon 361 of the ATM protein (p.Thr361Ser). The threonine residue is moderately conserved and there is a small physicochemical difference between threonine and serine.